The following is an entry in ClinVar:

NM_000038.6(APC):c.8030G>C (p.Gly2677Ala)

Gene: APC (APC regulator of Wnt signaling pathway; plus strand). Cytogenetic location: 5q22.2.
Variant type: single nucleotide variant.
Coding change: c.8030G>C on transcript NM_000038.6 (MANE Select); coding-DNA position 8030, G replaced by C.
Protein change: p.Gly2677Ala; replaces glycine 2677 with alanine.
Molecular consequence: missense variant.
Genome position (GRCh38, 1-based): chr5:112,843,624, G>C. VCF-style: chr5-112843624-G-C. GRCh37 (hg19) VCF-style: chr5-112179321-G-C.
Other names: c.8030G>C, p.Gly2677Ala (NM_001127510.3, NM_001354895.2, NM_001407450.1); c.7976G>C, p.Gly2659Ala (NM_001127511.3); c.8084G>C, p.Gly2695Ala (NM_001354896.2, NM_001407447.1, NM_001407448.1 and 1 more transcripts); c.8060G>C, p.Gly2687Ala (NM_001354897.2); c.7955G>C, p.Gly2652Ala (NM_001354898.2); c.7946G>C, p.Gly2649Ala (NM_001354899.2); c.7907G>C, p.Gly2636Ala (NM_001354900.2); c.7853G>C, p.Gly2618Ala (NM_001354901.2, NM_001407453.1); and 12 more; short protein forms G2576A, G2594A, G2652A, G2705A, G2551A, G2586A, G2293A, G2636A.
Identifiers: ClinVar variation 2113673 (VCV002113673.6), dbSNP rs760391304, ClinGen allele CA16038770.
Genomic context (GRCh38, chr5:112,843,624, plus strand): 5'-TTTGGGTGAGAATTGAGGACTGTCCCATTAACAATCCTAGATCTGGAAGATCTCCCACAG[G>C]TAATACTCCCCCGGTGATTGACAGTGTTTCAGAAAAGGCAAATCCAAACATTAAAGATTC-3'
Protein context (NP_000029.2, residues 2667-2687): NNPRSGRSPT[Gly2677Ala]NTPPVIDSVS

ClinVar aggregate classification (germline): Uncertain significance. Review status: criteria provided, multiple submitters, no conflicts (2 of 4 stars). 2 submissions from 2 submitters: Uncertain significance (2). Last evaluated 2024-02-26.

Conditions:
Hereditary cancer-predisposing syndrome. Also called: Neoplastic Syndromes, Hereditary; Tumor predisposition; Hereditary Cancer Syndrome; Hereditary neoplastic syndrome. Identifiers: Orphanet 140162, MedGen C0027672, MeSH D009386, MONDO:0015356.
Familial adenomatous polyposis 1 (FAP1). Also called: FAMILIAL ADENOMATOUS POLYPOSIS 1, ATTENUATED; POLYPOSIS, ADENOMATOUS INTESTINAL. Identifiers: MedGen C2713442, MONDO:0021056, OMIM 175100. Disease mechanism: loss of function.

gnomAD v4.1: 1 of 1,613,776 alleles (0.000062%); highest among the groups gnomAD compares: South Asian, 0.0011%; no homozygotes.

Submissions (2):

Labcorp Genetics (formerly Invitae), Labcorp
Classification: Uncertain significance for Familial adenomatous polyposis 1. Last evaluated: 2024-02-26. Review status: criteria provided, single submitter. Criteria: Invitae Variant Classification Sherloc (09022015). Collection method: clinical testing. Allele origin: germline.
Comment: This sequence change replaces glycine, which is neutral and non-polar, with alanine, which is neutral and non-polar, at codon 2677 of the APC protein (p.Gly2677Ala). This variant is not present in population databases (gnomAD no frequency). This variant has not been reported in the literature in individuals affected with APC-related conditions. ClinVar contains an entry for this variant (Variation ID: 2113673). Advanced modeling of protein sequence and biophysical properties (such as structural, functional, and spatial information, amino acid conservation, physicochemical variation, residue mobility, and thermodynamic stability) performed at Invitae indicates that this missense variant is not expected to disrupt APC protein function with a negative predictive value of 95%. In summary, the available evidence is currently insufficient to determine the role of this variant in disease. Therefore, it has been classified as a Variant of Uncertain Significance.

Ambry Genetics
Classification: Uncertain significance for Hereditary cancer-predisposing syndrome. Last evaluated: 2023-06-24. Review status: criteria provided, single submitter. Criteria: Ambry Variant Classification Scheme 2023. Collection method: clinical testing. Allele origin: germline.
Comment: The p.G2677A variant (also known as c.8030G>C), located in coding exon 15 of the APC gene, results from a G to C substitution at nucleotide position 8030. The glycine at codon 2677 is replaced by alanine, an amino acid with similar properties. This amino acid position is conserved. In addition, in silico predictors for this gene do not accurately predict pathogenicity. Since supporting evidence is limited at this time, the clinical significance of this alteration remains unclear.